The following is an entry in ClinVar:

ClinVar aggregate classification (germline): Pathogenic (1 of 4 stars; one submission).

Submission:

Labcorp Genetics (formerly Invitae), Labcorp
Classification: Pathogenic. Last evaluated: 2023-11-11. Review status: criteria provided, single submitter. Criteria: Invitae Variant Classification Sherloc (09022015). Collection method: clinical testing. Allele origin: germline.
Comment: This sequence change creates a premature translational stop signal (p.Asn1303Glnfs*62) in the COL2A1 gene. It is expected to result in an absent or disrupted protein product. Loss-of-function variants in COL2A1 are known to be pathogenic (PMID: 20179744). This variant is not present in population databases (gnomAD no frequency). This variant has not been reported in the literature in individuals affected with COL2A1-related conditions. For these reasons, this variant has been classified as Pathogenic.

Literature cited by the submitters: PubMed 20179744.

NM_001844.5(COL2A1):c.3906dup (p.Asn1303fs)

Gene: COL2A1 (collagen type II alpha 1 chain; minus strand). Cytogenetic location: 12q13.11.
Variant type: Duplication.
Coding change: c.3906dup on transcript NM_001844.5 (MANE Select); coding-DNA position 3906, one base duplicated (C; older notation c.3906dupC).
Protein change: p.Asn1303fs; shifts the reading frame from asparagine 1303.
Molecular consequence: frameshift variant.
Genome position (GRCh38, 1-based): chr12:47,974,843, G duplicated on the plus strand (C on the coding strand, the reverse complement: COL2A1 is on the minus strand); the first of 4 consecutive G bases (chr12:47,974,843-47,974,846); duplicating any one gives the same sequence. VCF-style (leftmost placement, unchanged base first): chr12-47974842-T-TG. GRCh37 (hg19) VCF-style: chr12-48368625-T-TG.
Other names: c.3699dup, p.Asn1234fs (NM_033150.3); short protein forms N1234fs, N1303fs.
Identifiers: ClinVar variation 2816845 (VCV002816845.3), dbSNP rs2540097812, ClinGen allele CA2739271941.